The following is an entry in ClinVar:

ClinVar aggregate classification (germline): Likely benign (1 of 4 stars; one submission).

Allele frequency attached by ClinVar (database versions not stated): gnomAD 0.00033; TOPMed 0.00040; gnomAD exomes 0.00053; ExAC 0.00095.

Submission:

CeGaT Center for Human Genetics Tuebingen
Classification: Likely benign. Last evaluated: 2022-09-01. Review status: criteria provided, single submitter. Criteria: CeGaT Center For Human Genetics Tuebingen Variant Classification Criteria Version 2. Collection method: clinical testing. Allele origin: germline. Affected: yes. Observed: 1 variant allele.
Comment: NDUFC2: BP4, BP7

NM_004549.6(NDUFC2):c.*111G>A

Genes: NDUFC2 (NADH:ubiquinone oxidoreductase subunit C2; minus strand), NDUFC2-KCTD14 (NDUFC2-KCTD14 readthrough; minus strand). Cytogenetic location: 11q14.1.
Variant type: single nucleotide variant.
Coding change: c.*111G>A on transcript NM_004549.6 (MANE Select); 111 bases downstream of the stop codon, G replaced by A.
Molecular consequence: 3 prime UTR variant. On other transcripts: synonymous variant (1), intron variant (3).
Genome position (GRCh38, 1-based): chr11:78,069,876, C>T on the plus strand (G>A on the coding strand, the complement: NDUFC2 is on the minus strand). VCF-style: chr11-78069876-C-T. GRCh37 (hg19) VCF-style: chr11-77780922-C-T.
Other names: c.264G>A, p.Leu88= (NM_001204054.3); c.*111G>A (NM_001204055.2); c.166+9703G>A (NM_001203262.2); c.310+3122G>A (NM_001203261.2, NM_001203260.2).
Identifiers: ClinVar variation 2642196 (VCV002642196.24), dbSNP rs538481040, ClinGen allele CA6202970.
Genomic context (GRCh38, chr11:78,069,876, plus strand): 5'-ATGAACTATTTTTCTTACAACAATAAAGAGTCAGAGTACTCATGGTACGTATTTTAATTA[C>T]AAGGTGTCAACATACAGATTAGCATAAGCTTCAACTGTCATAAGAAACATGTTCCATCAA-3'